The following is an entry in ClinVar:

NM_001256545.2(MEGF10):c.542G>T (p.Arg181Leu)

Gene: MEGF10 (multiple EGF like domains 10; plus strand). Cytogenetic location: 5q23.2.
Variant type: single nucleotide variant.
Coding change: c.542G>T on transcript NM_001256545.2 (MANE Select); coding-DNA position 542, G replaced by T.
Protein change: p.Arg181Leu; replaces arginine 181 with leucine.
Molecular consequence: missense variant.
Genome position (GRCh38, 1-based): chr5:127,396,661, G>T. VCF-style: chr5-127396661-G-T. GRCh37 (hg19) VCF-style: chr5-126732353-G-T.
Other names: c.542G>T, p.Arg181Leu (NM_001308119.2, NM_001308121.2, NM_032446.3); short protein forms R181L.
Identifiers: ClinVar variation 1972566 (VCV001972566.2), dbSNP rs377547826, ClinGen allele CA3391323.

ClinVar aggregate classification (germline): Uncertain significance (1 of 4 stars; one submission).

Conditions:
MEGF10-related myopathy (CMYO10A). Also called: Congenital myopathy 10A, severe variant. Identifiers: Orphanet 439212, MedGen C3280679, MONDO:0013731, OMIM 614399.

Allele frequency attached by ClinVar (database versions not stated): ESP Exome Variant Server 0.00008.
gnomAD v4.1: 12 of 1,613,974 alleles (0.00074%); highest among the groups gnomAD compares: African/African-American, 0.0027%; no homozygotes.

Submission:

Labcorp Genetics (formerly Invitae), Labcorp
Classification: Uncertain significance for MEGF10-related myopathy. Last evaluated: 2022-02-28. Review status: criteria provided, single submitter. Criteria: Invitae Variant Classification Sherloc (09022015). Collection method: clinical testing. Allele origin: germline.
Comment: This sequence change replaces arginine, which is basic and polar, with leucine, which is neutral and non-polar, at codon 181 of the MEGF10 protein (p.Arg181Leu). This variant is present in population databases (rs377547826, gnomAD 0.007%). This variant has not been reported in the literature in individuals affected with MEGF10-related conditions. Algorithms developed to predict the effect of missense changes on protein structure and function (SIFT, PolyPhen-2, Align-GVGD) all suggest that this variant is likely to be tolerated. In summary, the available evidence is currently insufficient to determine the role of this variant in disease. Therefore, it has been classified as a Variant of Uncertain Significance.